The following is an entry in ClinVar:

NM_001039141.3(TRIOBP):c.1719C>T (p.Asp573=)

Gene: TRIOBP (TRIO and F-actin binding protein; plus strand). Cytogenetic location: 22q13.1.
Variant type: single nucleotide variant.
Coding change: c.1719C>T on transcript NM_001039141.3 (MANE Select); coding-DNA position 1719, C replaced by T.
Protein change: p.Asp573=; no amino-acid change (aspartic acid 573 retained).
Molecular consequence: synonymous variant.
Genome position (GRCh38, 1-based): chr22:37,724,275, C>T. VCF-style: chr22-37724275-C-T. GRCh37 (hg19) VCF-style: chr22-38120282-C-T.
Identifiers: ClinVar variation 1590572 (VCV001590572.28), dbSNP rs368233775, ClinGen allele CA10223657.

ClinVar aggregate classification (germline): Conflicting classifications of pathogenicity. Review status: criteria provided, conflicting classifications (1 of 4 stars). 3 submissions from 3 submitters: Uncertain significance (1); Likely benign (2). Last evaluated 2026-04-01.

Allele frequency attached by ClinVar (database versions not stated): gnomAD 0.00005; 1000 Genomes Project 30x 0.00031; ESP Exome Variant Server 0.00083; 1000 Genomes Project 0.00200.

Submissions (3):

CeGaT Center for Human Genetics Tuebingen
Classification: Uncertain significance. Last evaluated: 2026-04-01. Review status: criteria provided, single submitter. Criteria: CeGaT Center For Human Genetics Tuebingen Variant Classification Criteria Version 2. Collection method: clinical testing. Allele origin: germline. Affected: yes. Observed: 2 variant alleles.
Comment: TRIOBP: PM2

Labcorp Genetics (formerly Invitae), Labcorp
Classification: Likely benign. Last evaluated: 2026-01-20. Review status: criteria provided, single submitter. Criteria: Invitae Variant Classification Sherloc (09022015). Collection method: clinical testing. Allele origin: germline.

Blueprint Genetics
Classification: Likely benign. Last evaluated: 2024-11-18. Review status: criteria provided, single submitter. Criteria: ACMG Guidelines, 2015. Collection method: clinical testing. Allele origin: germline.